The following is an entry in ClinVar:

ClinVar aggregate classification (germline): Uncertain significance (1 of 4 stars; one submission).

Conditions:
Exostoses, multiple, type 2 (EXT2). Also called: Hereditary Multiple Osteochondromatosis, Type II; EXOSTOSES, MULTIPLE, TYPE II. Identifiers: Orphanet 321, MedGen C1851413, MONDO:0007586, OMIM 133701.

Submission:

Labcorp Genetics (formerly Invitae), Labcorp
Classification: Uncertain significance for Exostoses, multiple, type 2. Last evaluated: 2025-07-31. Review status: criteria provided, single submitter. Criteria: Invitae Variant Classification Sherloc (09022015). Collection method: clinical testing. Allele origin: germline.
Comment: This sequence change replaces histidine, which is basic and polar, with arginine, which is basic and polar, at codon 301 of the EXT2 protein (p.His301Arg). This variant is not present in population databases (gnomAD no frequency). This variant has not been reported in the literature in individuals affected with EXT2-related conditions. Invitae Evidence Modeling of protein sequence and biophysical properties (such as structural, functional, and spatial information, amino acid conservation, physicochemical variation, residue mobility, and thermodynamic stability) indicates that this missense variant is not expected to disrupt EXT2 protein function with a negative predictive value of 95%. In summary, the available evidence is currently insufficient to determine the role of this variant in disease. Therefore, it has been classified as a Variant of Uncertain Significance.

NM_207122.2(EXT2):c.902A>G (p.His301Arg)

Gene: EXT2 (exostosin glycosyltransferase 2; plus strand). Cytogenetic location: 11p11.2.
Variant type: single nucleotide variant.
Coding change: c.902A>G on transcript NM_207122.2 (MANE Select); coding-DNA position 902, A replaced by G.
Protein change: p.His301Arg; replaces histidine 301 with arginine.
Molecular consequence: missense variant.
Genome position (GRCh38, 1-based): chr11:44,124,947, A>G. VCF-style: chr11-44124947-A-G. GRCh37 (hg19) VCF-style: chr11-44146497-A-G.
Other names: c.1001A>G, p.His334Arg (NM_000401.3); c.902A>G, p.His301Arg (NM_001178083.3, NM_001389628.1, NM_001389630.1); short protein forms H334R, H301R.
Identifiers: ClinVar variation 4763225 (VCV004763225.1).
Genomic context (GRCh38, chr11:44,124,947, plus strand): 5'-TAGTACTCGATAAATGCACCAACCTCTCAGAGGGTGTCCTTTCTGTCCGTAAGCGCTGCC[A>G]CAAGCACCAGGTCTTCGATTACCCACAGGTGCTACAGGTGAGTGTCATTCATTACCTCTC-3'
Protein context (NP_997005.1, residues 291-311): EGVLSVRKRC[His301Arg]KHQVFDYPQV